The following is an entry in ClinVar:

NC_000013.10:g.(?_52506804)_(52585587_?)del

Gene: ATP7B (ATPase copper transporting beta; minus strand). Cytogenetic location: 13q14.3.
Variant type: Deletion.
Identifiers: ClinVar variation 4848078 (VCV004848078.1).

ClinVar aggregate classification (germline): Pathogenic (1 of 4 stars; one submission).

Conditions:
Wilson disease (WND). Also called: Wilson's disease. Identifiers: Orphanet 905, MedGen C0019202, MONDO:0010200, OMIM 277900. Disease mechanism: loss of function.

Submission:

Women's Health and Genetics/Laboratory Corporation of America, LabCorp
Classification: Pathogenic for Wilson disease. Last evaluated: 2026-02-03. Review status: criteria provided, single submitter. Criteria: LabCorp Variant Classification Summary - May 2015. Collection method: clinical testing. Allele origin: germline.
Comment: Variant summary: The variant involves the deletion of exons 1-21 in the ATP7B gene. A presumed nomenclature of c.(?_-114)_(*2088_?)del has been designated for the purposes of this classification. This deletion includes the entire coding sequence of the gene. As the exact proximal and distal breakpoints are unknown, it may extend beyond the annotated region of the gene to include other flanking genes. Loss-of-function variants in this gene are known to be pathogenic. The variant was absent in 21694 control chromosomes. c.(?_-114)_(*2088_?)del has been observed in at least one individual affected with Wilson Disease (Chen_2019). To our knowledge, no experimental evidence demonstrating an impact on protein function has been reported. The following publications have been ascertained in the context of this evaluation (PMID: 30655162, 36096368). ClinVar contains an entry for this variant (Variation ID: 2422252). Based on the evidence outlined above, the variant was classified as pathogenic.

Literature cited by the submitters: PubMed 30655162; PubMed 36096368.